The following is an entry in ClinVar:

ClinVar aggregate classification (germline): Conflicting classifications of pathogenicity. Review status: criteria provided, conflicting classifications (1 of 4 stars). 3 submissions from 3 submitters: Uncertain significance (1); Likely benign (1). 1 of the submissions does not count toward it. Last evaluated 2025-05-07.

Conditions:
NPC1-related disorder. Also called: NPC1-related condition.
Niemann-Pick disease, type C1. Also called: NEUROVISCERAL STORAGE DISEASE WITH VERTICAL SUPRANUCLEAR OPHTHALMOPLEGIA; NIEMANN-PICK DISEASE WITH CHOLESTEROL ESTERIFICATION BLOCK; NIEMANN-PICK DISEASE WITHOUT SPHINGOMYELINASE DEFICIENCY; NIEMANN-PICK DISEASE, CHRONIC NEURONOPATHIC FORM; NIEMANN-PICK DISEASE, VARIANT TYPE C1. Identifiers: Orphanet 646, MedGen C3179455, MONDO:0009757, OMIM 257220.

Allele frequency attached by ClinVar (database versions not stated): gnomAD 0.00001; TOPMed 0.00001.
gnomAD v4.1: 8 of 1,608,580 alleles (0.0005%); highest among the groups gnomAD compares: Admixed American, 0.013%; no homozygotes.

Submissions (3):

Labcorp Genetics (formerly Invitae), Labcorp
Classification: Likely benign for Niemann-Pick disease, type C1. Last evaluated: 2025-05-07. Review status: criteria provided, single submitter. Criteria: Invitae Variant Classification Sherloc (09022015). Collection method: clinical testing. Allele origin: germline.

Eurofins Ntd Llc (ga)
Classification: Uncertain significance. Last evaluated: 2017-07-27. Review status: criteria provided, single submitter. Criteria: EGL Classification Definitions 2015. Collection method: clinical testing. Allele origin: germline. Observed: 1 variant allele, 1 heterozygote.

PreventionGenetics, part of Exact Sciences
Classification: Likely benign for NPC1-related condition. Last evaluated: 2021-07-20. Review status: no assertion criteria provided. Collection method: clinical testing. Allele origin: germline. Not counted in ClinVar's aggregate classification.
Comment: This variant is classified as likely benign based on ACMG/AMP sequence variant interpretation guidelines (Richards et al. 2015 PMID: 25741868, with internal and published modifications).

NM_000271.5(NPC1):c.3478-7A>C

Gene: NPC1 (NPC intracellular cholesterol transporter 1; minus strand). Cytogenetic location: 18q11.2.
Variant type: single nucleotide variant.
Coding change: c.3478-7A>C on transcript NM_000271.5 (MANE Select); 7 bases into the intron before coding-DNA position 3478, A replaced by C.
Molecular consequence: intron variant.
Genome position (GRCh38, 1-based): chr18:23,534,566, T>G on the plus strand (A>C on the coding strand, the complement: NPC1 is on the minus strand). VCF-style: chr18-23534566-T-G. GRCh37 (hg19) VCF-style: chr18-21114530-T-G.
Other names: c.3478-7A>C (NM_000271.4).
Identifiers: ClinVar variation 593449 (VCV000593449.14), dbSNP rs767148121, ClinGen allele CA8912749.